The following is an entry in ClinVar:

ClinVar aggregate classification (germline): Uncertain significance (1 of 4 stars; one submission).

Allele frequency attached by ClinVar (database versions not stated): gnomAD exomes below 0.00001.
gnomAD v4.1: 1 of 1,614,184 alleles (0.000062%); highest among the groups gnomAD compares: Non-Finnish European, 0.000085%; no homozygotes.

Submission:

Labcorp Genetics (formerly Invitae), Labcorp
Classification: Uncertain significance. Last evaluated: 2022-06-05. Review status: criteria provided, single submitter. Criteria: Invitae Variant Classification Sherloc (09022015). Collection method: clinical testing. Allele origin: germline.
Comment: This sequence change replaces alanine, which is neutral and non-polar, with valine, which is neutral and non-polar, at codon 97 of the PARS2 protein (p.Ala97Val). This variant is not present in population databases (gnomAD no frequency). This variant has not been reported in the literature in individuals affected with PARS2-related conditions. ClinVar contains an entry for this variant (Variation ID: 1504912). Algorithms developed to predict the effect of missense changes on protein structure and function are either unavailable or do not agree on the potential impact of this missense change (SIFT: "Tolerated"; PolyPhen-2: "Probably Damaging"; Align-GVGD: "Class C0"). In summary, the available evidence is currently insufficient to determine the role of this variant in disease. Therefore, it has been classified as a Variant of Uncertain Significance.

NM_152268.4(PARS2):c.290C>T (p.Ala97Val)

Gene: PARS2 (prolyl-tRNA synthetase 2, mitochondrial; minus strand). Cytogenetic location: 1p32.3.
Variant type: single nucleotide variant.
Coding change: c.290C>T on transcript NM_152268.4 (MANE Select); coding-DNA position 290, C replaced by T.
Protein change: p.Ala97Val; replaces alanine 97 with valine.
Molecular consequence: missense variant.
Genome position (GRCh38, 1-based): chr1:54,758,872, G>A on the plus strand (C>T on the coding strand, the complement: PARS2 is on the minus strand). VCF-style: chr1-54758872-G-A. GRCh37 (hg19) VCF-style: chr1-55224545-G-A.
Other names: short protein forms A97V.
Identifiers: ClinVar variation 1504912 (VCV001504912.6), dbSNP rs2101408079, ClinGen allele CA340465821.
Genomic context (GRCh38, chr1:54,758,872, plus strand): 5'-ACTTTCTGGCCCCCGATGGCCTGCATCTCCTGGTCTATCACTCGCACGAGCTTCTCCATG[G>A]CACGGACGGTATATGGCAGGAGGTGGTAACAGCCGGGGCTTGCTGGGTAGATCAGGCCCA-3'
Protein context (NP_689481.2, residues 87-107): CYHLLPYTVR[Ala97Val]MEKLVRVIDQ